The following is an entry in ClinVar:

NM_014989.7(RIMS1):c.*1991T>G

Gene: RIMS1 (regulating synaptic membrane exocytosis 1; plus strand). Cytogenetic location: 6q13.
Variant type: single nucleotide variant.
Coding change: c.*1991T>G on transcript NM_014989.7 (MANE Select); 1991 bases downstream of the stop codon, T replaced by G.
Molecular consequence: 3 prime UTR variant.
Genome position (GRCh38, 1-based): chr6:72,402,705, T>G. VCF-style: chr6-72402705-T-G. GRCh37 (hg19) VCF-style: chr6-73112407-T-G.
Other names: c.*1991T>G (NM_001168407.2, NM_001168408.2, NM_001168409.2 and 60 more transcripts).
Identifiers: ClinVar variation 357891 (VCV000357891.5), dbSNP rs41265503, ClinGen allele CA10627520.

ClinVar aggregate classification (germline): Benign (1 of 4 stars; one submission).

Conditions:
Cone-rod dystrophy 7 (CORD7). Identifiers: Orphanet 1872, MedGen C1863634, MONDO:0011355, OMIM 603649.

Allele frequency attached by ClinVar (database versions not stated): 1000 Genomes Project 30x 0.00406; 1000 Genomes Project 0.00439; gnomAD 0.00445 and 0.00466; TOPMed 0.00427.

Submission:

Illumina Laboratory Services, Illumina
Classification: Benign for Cone-rod dystrophy 7. Last evaluated: 2018-01-12. Review status: criteria provided, single submitter. Criteria: ICSL Variant Classification Criteria 13 December 2019. Collection method: clinical testing. Allele origin: germline.
Comment: This variant was observed in the ICSL laboratory as part of a predisposition screen in an ostensibly healthy population. It had not been previously curated by ICSL or reported in the Human Gene Mutation Database (HGMD: prior to June 1st, 2018), and was therefore a candidate for classification through an automated scoring system. Utilizing variant allele frequency, disease prevalence and penetrance estimates, and inheritance mode, an automated score was calculated to assess if this variant is too frequent to cause the disease. Based on the score and internal cut-off values, a variant classified as benign is not then subjected to further curation. The score for this variant resulted in a classification of benign for this disease.